The following is an entry in ClinVar:

NM_001735.3(C5):c.4266G>A (p.Ala1422=)

Gene: C5 (complement C5; minus strand). Cytogenetic location: 9q33.2.
Variant type: single nucleotide variant.
Coding change: c.4266G>A on transcript NM_001735.3 (MANE Select); coding-DNA position 4266, G replaced by A.
Protein change: p.Ala1422=; no amino-acid change (alanine 1422 retained).
Molecular consequence: synonymous variant.
Genome position (GRCh38, 1-based): chr9:120,963,693, C>T on the plus strand (G>A on the coding strand, the complement: C5 is on the minus strand). VCF-style: chr9-120963693-C-T. GRCh37 (hg19) VCF-style: chr9-123725971-C-T.
Other names: c.4284G>A, p.Ala1428= (NM_001317163.2); c.4266G>A (NM_001735.2).
Identifiers: ClinVar variation 1167627 (VCV001167627.14), dbSNP rs12237774, ClinGen allele CA5217225.

ClinVar aggregate classification (germline): Benign. Review status: criteria provided, multiple submitters, no conflicts (2 of 4 stars). 4 submissions from 4 submitters: Benign (3). 1 of the submissions does not count toward it. Last evaluated 2026-02-04.

Conditions:
C5-related disorder. Also called: C5-related condition.

Allele frequency attached by ClinVar (database versions not stated): gnomAD exomes 0.02421 and 0.04496; ExAC 0.04795; ESP Exome Variant Server 0.07158; TOPMed 0.07662; 1000 Genomes Project 30x 0.10509; 1000 Genomes Project 0.10663.
gnomAD v4.1: 47,165 of 1,613,500 alleles (2.9%); highest among the groups gnomAD compares: East Asian, 21%; 2,923 homozygotes.

Submissions (17):

Labcorp Genetics (formerly Invitae), Labcorp
Classification: Benign. Last evaluated: 2026-02-04. Review status: criteria provided, single submitter. Criteria: Invitae Variant Classification Sherloc (09022015). Collection method: clinical testing. Allele origin: germline.

Women's Health and Genetics/Laboratory Corporation of America, LabCorp
Classification: Benign. Last evaluated: 2026-01-21. Review status: criteria provided, single submitter. Criteria: LabCorp Variant Classification Summary - May 2015. Collection method: clinical testing. Allele origin: germline.

Breakthrough Genomics
Classification: Benign. Review status: criteria provided, single submitter. Criteria: ACMG Guidelines, 2015. Collection method: not provided. Allele origin: germline. Inheritance: Autosomal recessive inheritance. Affected: yes.

PreventionGenetics, part of Exact Sciences
Classification: Benign for C5-related condition. Last evaluated: 2019-04-01. Review status: no assertion criteria provided. Collection method: clinical testing. Allele origin: germline. Not counted in ClinVar's aggregate classification.
Comment: This variant is classified as benign based on ACMG/AMP sequence variant interpretation guidelines (Richards et al. 2015 PMID: 25741868, with internal and published modifications).

Dr. Peter K. Rogan Lab, Western University
No classification provided (evidence only). Condition: Melanoma. Review status: no classification provided. Collection method: in vitro. Allele origin: not applicable. Functional consequence: retained intron. Not counted in ClinVar's aggregate classification.

Dr. Peter K. Rogan Lab, Western University
No classification provided (evidence only). Condition: Melanoma. Review status: no classification provided. Collection method: in vitro. Allele origin: not applicable. Functional consequence: retained intron. Not counted in ClinVar's aggregate classification.

Dr. Peter K. Rogan Lab, Western University
No classification provided (evidence only). Condition: Melanoma. Review status: no classification provided. Collection method: in vitro. Allele origin: not applicable. Functional consequence: retained intron. Not counted in ClinVar's aggregate classification.

Dr. Peter K. Rogan Lab, Western University
No classification provided (evidence only). Condition: Melanoma. Review status: no classification provided. Collection method: in vitro. Allele origin: not applicable. Functional consequence: retained intron. Not counted in ClinVar's aggregate classification.

Dr. Peter K. Rogan Lab, Western University
No classification provided (evidence only). Condition: Acute myeloid leukemia. Review status: no classification provided. Collection method: in vitro. Allele origin: not applicable. Functional consequence: retained intron. Not counted in ClinVar's aggregate classification.

Dr. Peter K. Rogan Lab, Western University
No classification provided (evidence only). Condition: Acute myeloid leukemia. Review status: no classification provided. Collection method: in vitro. Allele origin: not applicable. Functional consequence: retained intron. Not counted in ClinVar's aggregate classification.

Dr. Peter K. Rogan Lab, Western University
No classification provided (evidence only). Condition: Colon adenocarcinoma. Review status: no classification provided. Collection method: in vitro. Allele origin: not applicable. Functional consequence: retained intron. Not counted in ClinVar's aggregate classification.

Dr. Peter K. Rogan Lab, Western University
No classification provided (evidence only). Condition: Colon adenocarcinoma. Review status: no classification provided. Collection method: in vitro. Allele origin: not applicable. Functional consequence: retained intron. Not counted in ClinVar's aggregate classification.

Dr. Peter K. Rogan Lab, Western University
No classification provided (evidence only). Condition: Sarcoma. Review status: no classification provided. Collection method: in vitro. Allele origin: not applicable. Functional consequence: retained intron. Not counted in ClinVar's aggregate classification.

Dr. Peter K. Rogan Lab, Western University
No classification provided (evidence only). Condition: Malignant lymphoma, large B-cell, diffuse. Review status: no classification provided. Collection method: in vitro. Allele origin: not applicable. Functional consequence: retained intron. Not counted in ClinVar's aggregate classification.

Dr. Peter K. Rogan Lab, Western University
No classification provided (evidence only). Condition: Thymoma. Review status: no classification provided. Collection method: in vitro. Allele origin: not applicable. Functional consequence: retained intron. Not counted in ClinVar's aggregate classification.

Dr. Peter K. Rogan Lab, Western University
No classification provided (evidence only). Condition: Thymoma. Review status: no classification provided. Collection method: in vitro. Allele origin: not applicable. Functional consequence: retained intron. Not counted in ClinVar's aggregate classification.

Dr. Peter K. Rogan Lab, Western University
No classification provided (evidence only). Condition: Adrenocortical carcinoma, hereditary. Review status: no classification provided. Collection method: in vitro. Allele origin: not applicable. Functional consequence: retained intron. Not counted in ClinVar's aggregate classification.